The following is an entry in ClinVar:

ClinVar aggregate classification (germline): Pathogenic (1 of 4 stars; one submission).

Submission:

Quest Diagnostics Nichols Institute San Juan Capistrano
Classification: Pathogenic. Last evaluated: 2025-04-23. Review status: criteria provided, single submitter. Criteria: ACMG/ClinGen CNV Guidelines, 2019. Collection method: clinical testing. Allele origin: unknown.
Comment: This 18q12.2q21.1 deletion involves at least 21 protein-coding genes, including SETBP1 (OMIM 611060). Haploinsufficiency of SETBP1 is associated with autosomal dominant intellectual developmental disorder-29 (CCID:007829, OMIM 616078, Morgan 2024). Larger hemizygous deletions have been reported in individuals with variable phenotypes (Bouquillon 2011, Buysse 2008, Cody 2007, Chaves 2024, Wang 2019). Therefore, based on gene content and current medical literature, this copy number variant (CNV) is classified as pathogenic. References: Bouquillon et al., Eur J Med Genet. 2011 Mar-Apr;54(2):194-7. PMID: 21145994 Buysse et al., Am J Med Genet A. 2008 May 15;146A(10):1330-4. PMID: 18412119 Cody et al., Am J Med Genet A. 2007 Jun 1;143A(11):1181-90. PMID: 17486614 Chaves et al., 14 November 2023, PREPRINT (Version 1) available at Research Square [DOI 10.21203/rs.3.rs-3592034/v1] Morgan et al., GeneReviews. [2024 May 9]. PMID: 34807554 Wang et al., Pediatr Neonatol. 2019 Feb;60(1):35-42. PMID: 29631977

GRCh37/hg19 18q12.2-21.1(chr18:36435682-44982975)x1

Genes: ARK2C (arkadia (RNF111) C-terminal like ring finger ubiquitin ligase 2C; plus strand), ARK2N (arkadia (RNF111) N-terminal like PKA signaling regulator 2N; plus strand), ATP5F1A (ATP synthase F1 subunit alpha; minus strand), ELOA2 (elongin A2; minus strand), EPG5 (ectopic P-granules 5 autophagy tethering factor; minus strand) and 16 more. Cytogenetic location: 18q12.2-21.1.
Variant type: copy number loss.
Change: copy number 1 (one copy instead of two) of chr18:36,435,682-44,982,975 (8.55 Mb, GRCh37 coordinates, 1-based), cytogenetic band 18q12.2-21.1.
Identifiers: ClinVar variation 4682933 (VCV004682933.1).